The following is an entry in ClinVar:

ClinVar aggregate classification (germline): Uncertain significance (1 of 4 stars; one submission).

Submission:

Ambry Genetics
Classification: Uncertain significance. Last evaluated: 2025-05-05. Review status: criteria provided, single submitter. Criteria: Ambry Variant Classification Scheme 2023. Collection method: clinical testing. Allele origin: germline.
Comment: The p.W300R variant (also known as c.898T>A), located in coding exon 8 of the RAD51B gene, results from a T to A substitution at nucleotide position 898. The tryptophan at codon 300 is replaced by arginine, an amino acid with dissimilar properties. This amino acid position is conserved. In addition, this alteration is predicted to be deleterious by in silico analysis. Based on the available evidence, the clinical significance of this variant remains unclear.

NM_133510.4(RAD51B):c.898T>A (p.Trp300Arg)

Gene: RAD51B (RAD51 paralog B; plus strand). Cytogenetic location: 14q24.1.
Variant type: single nucleotide variant.
Coding change: c.898T>A on transcript NM_133510.4 (MANE Select); coding-DNA position 898, T replaced by A.
Protein change: p.Trp300Arg; replaces tryptophan 300 with arginine.
Molecular consequence: missense variant.
Genome position (GRCh38, 1-based): chr14:68,411,468, T>A. VCF-style: chr14-68411468-T-A. GRCh37 (hg19) VCF-style: chr14-68878185-T-A.
Other names: c.898T>A, p.Trp300Arg (NM_001321809.2, NM_001321810.2, NM_001321812.1 and 6 more transcripts); c.784T>A, p.Trp262Arg (NM_001321815.1); c.541T>A, p.Trp181Arg (NM_001321817.2); short protein forms W300R, W181R, W262R.
Identifiers: ClinVar variation 3942307 (VCV003942307.1).